The following is an entry in ClinVar:

NM_017763.6(RNF43):c.552G>A (p.Val184=)

Gene: RNF43 (ring finger protein 43; minus strand). Cytogenetic location: 17q22.
Variant type: single nucleotide variant.
Coding change: c.552G>A on transcript NM_017763.6 (MANE Select); coding-DNA position 552, G replaced by A.
Protein change: p.Val184=; no amino-acid change (valine 184 retained).
Molecular consequence: synonymous variant.
Genome position (GRCh38, 1-based): chr17:58,363,305, C>T on the plus strand (G>A on the coding strand, the complement: RNF43 is on the minus strand). VCF-style: chr17-58363305-C-T. GRCh37 (hg19) VCF-style: chr17-56440666-C-T.
Other names: c.552G>A, p.Val184= (NM_001305544.3, NM_001438820.1, NM_001438821.1 and 1 more transcripts); c.171G>A, p.Val57= (NM_001305545.2, NM_001437987.1).
Identifiers: ClinVar variation 4875715 (VCV004875715.1).

ClinVar aggregate classification (germline): Benign (1 of 4 stars; one submission).

Conditions:
Sessile serrated polyposis cancer syndrome (SSPCS). Identifiers: Orphanet 157798, MedGen C4310714, MONDO:0014919, OMIM 617108.

Submission:

Myriad Genetics, Inc.
Classification: Benign for Sessile serrated polyposis cancer syndrome. Last evaluated: 2026-06-30. Review status: criteria provided, single submitter. Criteria: Myriad Autosomal Dominant, Autosomal Recessive and X-Linked Classification Criteria (2023). Collection method: clinical testing. Allele origin: unknown.
Comment: This variant is considered benign. This variant is a silent/synonymous amino acid change and it is not expected to impact splicing.